The following is an entry in ClinVar:

ClinVar aggregate classification (germline): Likely benign. Review status: criteria provided, multiple submitters, no conflicts (2 of 4 stars). 5 submissions from 4 submitters: Likely benign (5). Last evaluated 2026-06-01.

Conditions:
Familial cutaneous telangiectasia and oropharyngeal predisposition cancer syndrome. Identifiers: Orphanet 313846, MedGen C3281203, MONDO:0013806, OMIM 614564.
Seckel syndrome 1 (SCKL1). Also called: MICROCEPHALIC PRIMORDIAL DWARFISM I. Identifiers: Orphanet 808, MedGen C4551474, MONDO:0008869, OMIM 210600.
Inborn genetic diseases. Identifiers: MedGen C0950123, MeSH D030342.

Allele frequency attached by ClinVar (database versions not stated): gnomAD 0.00001; gnomAD exomes 0.00003 and 0.00007; ExAC 0.00005; TOPMed 0.00010.
gnomAD v4.1: 22 of 1,614,044 alleles (0.0014%); highest among the groups gnomAD compares: Admixed American, 0.035%; no homozygotes.

Submissions (5):

CeGaT Center for Human Genetics Tuebingen
Classification: Likely benign. Last evaluated: 2026-06-01. Review status: criteria provided, single submitter. Criteria: CeGaT Center For Human Genetics Tuebingen Variant Classification Criteria Version 2. Collection method: clinical testing. Allele origin: germline. Affected: yes. Observed: 1 variant allele.
Comment: ATR: BP4, BP7

Labcorp Genetics (formerly Invitae), Labcorp
Classification: Likely benign. Last evaluated: 2025-07-10. Review status: criteria provided, single submitter. Criteria: Invitae Variant Classification Sherloc (09022015). Collection method: clinical testing. Allele origin: germline.

Genome-Nilou Lab
Classification: Likely benign for Seckel syndrome 1. Last evaluated: 2023-02-08. Review status: criteria provided, single submitter. Criteria: ACMG Guidelines, 2015. Collection method: clinical testing. Allele origin: germline.

Genome-Nilou Lab
Classification: Likely benign for Familial cutaneous telangiectasia and oropharyngeal predisposition cancer syndrome. Last evaluated: 2023-02-08. Review status: criteria provided, single submitter. Criteria: ACMG Guidelines, 2015. Collection method: clinical testing. Allele origin: germline.

Ambry Genetics
Classification: Likely benign for Inborn genetic diseases. Last evaluated: 2022-02-27. Review status: criteria provided, single submitter. Criteria: Ambry Variant Classification Scheme 2023. Collection method: clinical testing. Allele origin: germline.

NM_001184.4(ATR):c.5484A>G (p.Ala1828=)

Gene: ATR (ATR checkpoint kinase; minus strand). Cytogenetic location: 3q23.
Variant type: single nucleotide variant.
Coding change: c.5484A>G on transcript NM_001184.4 (MANE Select); coding-DNA position 5484, A replaced by G.
Protein change: p.Ala1828=; no amino-acid change (alanine 1828 retained).
Molecular consequence: synonymous variant.
Genome position (GRCh38, 1-based): chr3:142,498,671, T>C on the plus strand (A>G on the coding strand, the complement: ATR is on the minus strand). VCF-style: chr3-142498671-T-C. GRCh37 (hg19) VCF-style: chr3-142217513-T-C.
Other names: c.5292A>G, p.Ala1764= (NM_001354579.2).
Identifiers: ClinVar variation 1128437 (VCV001128437.13), dbSNP rs765260141, ClinGen allele CA2649604.